The following is an entry in ClinVar:

ClinVar aggregate classification (germline): Conflicting classifications of pathogenicity. Review status: criteria provided, conflicting classifications (1 of 4 stars). 2 submissions from 2 submitters: Uncertain significance (1); Benign (1). Last evaluated 2025-06-30.

Conditions:
Wilms tumor 1 (WT1). Also called: Wilms tumor, somatic. Identifiers: Orphanet 654, MedGen CN033288, MONDO:0008679, OMIM 194070.
Inborn genetic diseases. Identifiers: MedGen C0950123, MeSH D030342.

Submissions (2):

Color Diagnostics, LLC DBA Color Health
Classification: Uncertain significance for Wilms tumor 1. Last evaluated: 2025-06-30. Review status: criteria provided, single submitter. Criteria: ACMG Guidelines, 2015. Collection method: clinical testing. Allele origin: germline.
Comment: This missense variant replaces arginine with histidine at codon 370 of the WT1 protein. To our knowledge, functional studies have not been reported for this variant. This variant has not been reported in individuals affected with WT1-related disorders in the literature. This variant has not been identified in the general population by the Genome Aggregation Database (gnomAD). The available evidence is insufficient to determine the role of this variant in disease conclusively. Therefore, this variant is classified as a Variant of Uncertain Significance.

Ambry Genetics
Classification: Benign for Inborn genetic diseases. Last evaluated: 2025-03-26. Review status: criteria provided, single submitter. Criteria: Ambry Variant Classification Scheme 2023. Collection method: clinical testing. Allele origin: germline.

NM_024426.6(WT1):c.1122_1124delinsGCA (p.Arg375His)

Gene: WT1 (WT1 transcription factor; minus strand). Cytogenetic location: 11p13.
Variant type: Indel.
Coding change: c.1122_1124delinsGCA on transcript NM_024426.6 (MANE Select); coding-DNA positions 1122 to 1124, ACG replaced by GCA.
Protein change: p.Arg375His; replaces arginine 375 with histidine.
Molecular consequence: missense variant. On other transcripts: non-coding transcript variant (2), 5 prime UTR variant (1).
Genome position (GRCh38, 1-based): chr11:32,396,397-32,396,399, CGT replaced by TGC on the plus strand (ACG replaced by GCA on the coding strand, the reverse complement: WT1 is on the minus strand). VCF-style: chr11-32396397-CGT-TGC. GRCh37 (hg19) VCF-style: chr11-32417943-CGT-TGC.
Other names: c.1071_1073delinsGCA, p.Arg358His (NM_000378.6, NM_001407045.1, NM_001407048.1 and 1 more transcripts); c.471_473delinsGCA, p.Arg158His (NM_001198551.2); c.420_422delinsGCA, p.Arg141His (NM_001198552.2); c.-67_-65delinsGCA (NM_001367854.1); c.1116_1118delinsGCA, p.Arg373His (NM_001407044.1); c.1122_1124delinsGCA, p.Arg375His (NM_001407046.1, NM_024424.5); c.999_1001delinsGCA, p.Arg334His (NM_001407047.1); c.948_950delinsGCA, p.Arg317His (NM_001407050.1); and 5 more; short protein forms R285H, R317H, R121H, R158H, R302H, R375H, R141H, R334H.
Identifiers: ClinVar variation 3982422 (VCV003982422.2).